The following is an entry in ClinVar:

NM_000179.3(MSH6):c.1819_1822del (p.Thr607fs)

Gene: MSH6 (mutS homolog 6; plus strand). Cytogenetic location: 2p16.3.
Variant type: Deletion.
Coding change: c.1819_1822del on transcript NM_000179.3 (MANE Select); coding-DNA positions 1819 to 1822, 4 bases deleted (ACAA; older notation c.1819_1822delACAA).
Protein change: p.Thr607fs; shifts the reading frame from threonine 607.
Molecular consequence: frameshift variant.
Genome position (GRCh38, 1-based): chr2:47,799,802-47,799,805, ACAA deleted; deleting any 4 consecutive bases within chr2:47,799,800-47,799,805 gives the same sequence; the c. name uses the placement nearest the transcript's 3' end. VCF-style (leftmost placement, unchanged base first): chr2-47799799-AAAAC-A. GRCh37 (hg19) VCF-style: chr2-48026938-AAAAC-A.
Other names: c.1429_1432del, p.Thr477fs (NM_001281492.2); c.913_916del, p.Thr305fs (NM_001281493.2, NM_001281494.2); c.1819_1822delACAA (NM_000179.2); short protein forms T305fs, T607fs, T477fs.
Identifiers: ClinVar variation 428401 (VCV000428401.6), dbSNP rs1114167770, ClinGen allele CA645369237.

ClinVar aggregate classification (germline): Pathogenic. Review status: criteria provided, multiple submitters, no conflicts (2 of 4 stars). 2 submissions from 2 submitters: Pathogenic (2). Last evaluated 2024-09-27.

Conditions:
Lynch syndrome 5 (LYNCH5). Also called: Hereditary non-polyposis colorectal cancer, type 5; Colorectal cancer, hereditary nonpolyposis, type 5. Identifiers: Orphanet 144, MedGen C1833477, MONDO:0013710, OMIM 614350. Disease mechanism: loss of function.
Hereditary cancer-predisposing syndrome. Also called: Hereditary Cancer Syndrome; Neoplastic Syndromes, Hereditary; Hereditary neoplastic syndrome; Tumor predisposition. Identifiers: Orphanet 140162, MedGen C0027672, MeSH D009386, MONDO:0015356.

Submissions (2):

Myriad Genetics, Inc.
Classification: Pathogenic for Lynch syndrome 5. Last evaluated: 2024-09-27. Review status: criteria provided, single submitter. Criteria: Myriad Autosomal Dominant, Autosomal Recessive and X-Linked Classification Criteria (2023). Collection method: clinical testing. Allele origin: unknown.
Comment: This variant is considered pathogenic. This variant creates a frameshift predicted to result in premature protein truncation.

Ambry Genetics
Classification: Pathogenic for Hereditary cancer-predisposing syndrome. Last evaluated: 2021-07-21. Review status: criteria provided, single submitter. Criteria: Ambry Variant Classification Scheme 2023. Collection method: clinical testing. Allele origin: germline.
Comment: The c.1819_1822delACAA pathogenic mutation, located in coding exon 4 of the MSH6 gene, results from a deletion of 4 nucleotides at nucleotide positions 1819 to 1822, causing a translational frameshift with a predicted alternate stop codon (p.T607Ffs*2). This alteration is expected to result in loss of function by premature protein truncation or nonsense-mediated mRNA decay. As such, this alteration is interpreted as a disease-causing mutation.